The following is an entry in ClinVar:

ClinVar aggregate classification (germline): Likely pathogenic (1 of 4 stars; one submission).

Conditions:
Permanent neonatal diabetes mellitus (PNDM). Identifiers: Orphanet 99885, MedGen C1833104, MONDO:0100164, MONDO:0011643. Disease mechanism: gain of function.

Submission:

Natera, Inc.
Classification: Likely pathogenic for Permanent neonatal diabetes mellitus. Last evaluated: 2024-05-29. Review status: criteria provided, single submitter. Criteria: Natera Variant Classification Schema (03/2026). Collection method: clinical testing. Allele origin: germline.
Comment: The c.1019_1035dup variant in KCNJ11 is a frameshift variant predicted to shift the reading frame beginning at codon 346 and leads to a stop codon 20 codons downstream. This variant is expected to result in nonsense mediated decay, truncation, or a dysfunctional protein product. This variant is rare in the general population with a frequency below the threshold expected for the associated phenotype(s). Given the available evidence, this variant is classified as Likely Pathogenic.

NM_000525.4(KCNJ11):c.1019_1035dup (p.Ala346fs)

Gene: KCNJ11 (potassium inwardly rectifying channel subfamily J member 11; minus strand). Cytogenetic location: 11p15.1.
Variant type: Duplication.
Coding change: c.1019_1035dup on transcript NM_000525.4 (MANE Select); coding-DNA positions 1019 to 1035, 17 bases duplicated (CCACACCACTCTGCACG).
Protein change: p.Ala346fs; shifts the reading frame from alanine 346.
Molecular consequence: frameshift variant.
Genome position (GRCh38, 1-based): chr11:17,387,057-17,387,073, CGTGCAGAGTGGTGTGG duplicated on the plus strand (CCACACCACTCTGCACG on the coding strand, the reverse complement: KCNJ11 is on the minus strand). VCF-style (leftmost placement, unchanged base first): chr11-17387056-C-CCGTGCAGAGTGGTGTGG. GRCh37 (hg19) VCF-style: chr11-17408603-C-CCGTGCAGAGTGGTGTGG.
Other names: c.758_774dup, p.Ala259fs (NM_001166290.2, NM_001377296.1, NM_001377297.1); short protein forms A259fs, A346fs.
Identifiers: ClinVar variation 4814298 (VCV004814298.1).